The following is an entry in ClinVar:

ClinVar aggregate classification (germline): Conflicting classifications of pathogenicity. Review status: criteria provided, conflicting classifications (1 of 4 stars). 4 submissions from 4 submitters: Uncertain significance (2); Likely benign (1). 1 of the submissions does not count toward it. Last evaluated 2025-03-03.

Conditions:
Pseudohypoaldosteronism type 2B (PHA2B). Also called: Pseudohypoaldosteronism Type IIB. Identifiers: Orphanet 757, Orphanet 88939, MedGen C1840390, MONDO:0013777, OMIM 614491.
Inborn genetic diseases. Identifiers: MedGen C0950123, MeSH D030342.

Allele frequency attached by ClinVar (database versions not stated): TOPMed 0.00006; ESP Exome Variant Server 0.00038.

Submissions (4):

Labcorp Genetics (formerly Invitae), Labcorp
Classification: Uncertain significance. Last evaluated: 2025-03-03. Review status: criteria provided, single submitter. Criteria: Invitae Variant Classification Sherloc (09022015). Collection method: clinical testing. Allele origin: germline.
Comment: This sequence change replaces serine, which is neutral and polar, with tryptophan, which is neutral and slightly polar, at codon 239 of the WNK4 protein (p.Ser239Trp). This variant is present in population databases (rs199775692, gnomAD 0.01%). This variant has not been reported in the literature in individuals affected with WNK4-related conditions. ClinVar contains an entry for this variant (Variation ID: 891519). Experimental studies and prediction algorithms are not available or were not evaluated, and the functional significance of this variant is currently unknown. In summary, the available evidence is currently insufficient to determine the role of this variant in disease. Therefore, it has been classified as a Variant of Uncertain Significance.

Ambry Genetics
Classification: Uncertain significance for Inborn genetic diseases. Last evaluated: 2024-03-18. Review status: criteria provided, single submitter. Criteria: Ambry Variant Classification Scheme 2023. Collection method: clinical testing. Allele origin: germline.

Illumina Laboratory Services, Illumina
Classification: Likely benign for Pseudohypoaldosteronism type 2B. Last evaluated: 2018-01-12. Review status: criteria provided, single submitter. Criteria: ICSL Variant Classification Criteria 13 December 2019. Collection method: clinical testing. Allele origin: germline.
Comment: This variant was observed in the ICSL laboratory as part of a predisposition screen in an ostensibly healthy population. It had not been previously curated by ICSL or reported in the Human Gene Mutation Database (HGMD: prior to June 1st, 2018), and was therefore a candidate for classification through an automated scoring system. Utilizing variant allele frequency, disease prevalence and penetrance estimates, and inheritance mode, an automated score was calculated to assess if this variant is too frequent to cause the disease. Based on the score and internal cut-off values, a variant classified as likely benign is not then subjected to further curation. The score for this variant resulted in a classification of likely benign for this disease.

Department of Pathology and Laboratory Medicine, Sinai Health System
Classification: Uncertain significance. Review status: no assertion criteria provided. Collection method: clinical testing. Allele origin: unknown. Affected: yes. Study: The Canadian Open Genetics Repository (COGR). Not counted in ClinVar's aggregate classification.
Comment: The WNK4 p.Ser239Trp variant was not identified in the literature nor was it identified in ClinVar or LOVD 3.0. The variant was identified in dbSNP (ID: rs199775692) and was identified in control databases in 18 of 282820 chromosomes at a frequency of 0.00006364 (Genome Aggregation Database March 6, 2019, v2.1.1). The variant was observed in the European (non-Finnish) population in 18 of 129150 chromosomes (freq: 0.000139), but was not observed in the African, Latino, Ashkenazi Jewish, East Asian, European (Finnish), Other or South Asian populations. The p.Ser239 residue is conserved in mammals and computational analyses (PolyPhen-2, SIFT, AlignGVGD, BLOSUM, MutationTaster) provide inconsistent predictions regarding the impact to the protein; this information is not very predictive of pathogenicity. The variant occurs outside of the splicing consensus sequence and in silico or computational prediction software programs (SpliceSiteFinder, MaxEntScan, NNSPLICE, GeneSplicer) do not predict a difference in splicing. In summary, based on the above information the clinical significance of this variant cannot be determined with certainty at this time. This variant is classified as a variant of uncertain significance.

NM_032387.5(WNK4):c.716C>G (p.Ser239Trp)

Gene: WNK4 (WNK lysine deficient protein kinase 4; plus strand). Cytogenetic location: 17q21.2.
Variant type: single nucleotide variant.
Coding change: c.716C>G on transcript NM_032387.5 (MANE Select); coding-DNA position 716, C replaced by G.
Protein change: p.Ser239Trp; replaces serine 239 with tryptophan.
Molecular consequence: missense variant. On other transcripts: 5 prime UTR variant (1).
Genome position (GRCh38, 1-based): chr17:42,782,855, C>G. VCF-style: chr17-42782855-C-G. GRCh37 (hg19) VCF-style: chr17-40934873-C-G.
Other names: c.-204C>G (NM_001321299.2); short protein forms S239W.
Identifiers: ClinVar variation 891519 (VCV000891519.8), dbSNP rs199775692, ClinGen allele CA8583745.